The following is an entry in ClinVar:

NM_000038.6(APC):c.177T>C (p.Ala59=)

Gene: APC (APC regulator of Wnt signaling pathway; plus strand). Cytogenetic location: 5q22.2.
Variant type: single nucleotide variant.
Coding change: c.177T>C on transcript NM_000038.6 (MANE Select); coding-DNA position 177, T replaced by C.
Protein change: p.Ala59=; no amino-acid change (alanine 59 retained).
Molecular consequence: synonymous variant. On other transcripts: 5 prime UTR variant (8), non-coding transcript variant (2).
Genome position (GRCh38, 1-based): chr5:112,766,367, T>C. VCF-style: chr5-112766367-T-C. GRCh37 (hg19) VCF-style: chr5-112102064-T-C.
Other names: c.177T>C, p.Ala59= (NM_001407459.1, NM_001407460.1, NM_001407467.1 and 16 more transcripts); c.-859T>C (NM_001407470.1, NM_001407471.1, NM_001407472.1 and 1 more transcripts); c.207T>C, p.Ala69= (NM_001127511.3, NM_001354897.2, NM_001354902.2 and 1 more transcripts); c.102T>C, p.Ala34= (NM_001354898.2, NM_001354904.2, NM_001407451.1); c.-1T>C (NM_001354900.2, NM_001354901.2, NM_001354905.2 and 1 more transcripts).
Identifiers: ClinVar variation 2562365 (VCV002562365.2), dbSNP rs2532272766, ClinGen allele CA445752998.

ClinVar aggregate classification (germline): Benign/Likely benign. Review status: criteria provided, multiple submitters, no conflicts (2 of 4 stars). 2 submissions from 2 submitters: Benign (1); Likely benign (1). Last evaluated 2024-02-22.

Conditions:
Hereditary cancer-predisposing syndrome. Also called: Neoplastic Syndromes, Hereditary; Hereditary Cancer Syndrome; Hereditary neoplastic syndrome; Tumor predisposition. Identifiers: Orphanet 140162, MedGen C0027672, MeSH D009386, MONDO:0015356.
Familial adenomatous polyposis 1 (FAP1). Also called: POLYPOSIS, ADENOMATOUS INTESTINAL; FAMILIAL ADENOMATOUS POLYPOSIS 1, ATTENUATED. Identifiers: MedGen C2713442, MONDO:0021056, OMIM 175100. Disease mechanism: loss of function.

Submissions (2):

Myriad Genetics, Inc.
Classification: Benign for Familial adenomatous polyposis 1. Last evaluated: 2024-02-22. Review status: criteria provided, single submitter. Criteria: Myriad Autosomal Dominant, Autosomal Recessive and X-Linked Classification Criteria (2023). Collection method: clinical testing. Allele origin: unknown.
Comment: This variant is considered benign. This variant is a silent/synonymous amino acid change and it is not expected to impact splicing.

Ambry Genetics
Classification: Likely benign for Hereditary cancer-predisposing syndrome. Last evaluated: 2023-06-05. Review status: criteria provided, single submitter. Criteria: Ambry Variant Classification Scheme 2023. Collection method: clinical testing. Allele origin: germline.